The following is an entry in ClinVar:

ClinVar aggregate classification (germline): Likely benign. Review status: criteria provided, multiple submitters, no conflicts (2 of 4 stars). 4 submissions from 4 submitters: Likely benign (3). 1 of the submissions does not count toward it. Last evaluated 2023-04-28.

Conditions:
VPS13B-related disorder. Also called: VPS13B-related condition.
Cohen syndrome (COH1). Also called: PEPPER SYNDROME; Cutis verticis gyrata, retinitis pigmentosa, and sensorineural deafness. Identifiers: Orphanet 193, MedGen C0265223, MONDO:0008999, OMIM 216550.

Allele frequency attached by ClinVar (database versions not stated): gnomAD 0.00001; TOPMed 0.00002.
gnomAD v4.1: 7 of 1,613,904 alleles (0.00043%); highest among the groups gnomAD compares: Non-Finnish European, 0.00059%; no homozygotes.

Submissions (4):

Labcorp Genetics (formerly Invitae), Labcorp
Classification: Likely benign for Cohen syndrome. Last evaluated: 2023-04-28. Review status: criteria provided, single submitter. Criteria: Invitae Variant Classification Sherloc (09022015). Collection method: clinical testing. Allele origin: germline.

Blueprint Genetics
Classification: Likely benign. Last evaluated: 2019-10-11. Review status: criteria provided, single submitter. Criteria: ACMG Guidelines, 2015. Collection method: clinical testing. Allele origin: germline.

GeneDx
Classification: Likely benign. Last evaluated: 2018-02-21. Review status: criteria provided, single submitter. Criteria: GeneDx Variant Classification (06012015). Collection method: clinical testing. Allele origin: germline. Affected: yes.
Comment: This variant is considered likely benign or benign based on one or more of the following criteria: it is a conservative change, it occurs at a poorly conserved position in the protein, it is predicted to be benign by multiple in silico algorithms, and/or has population frequency not consistent with disease.

PreventionGenetics, part of Exact Sciences
Classification: Likely benign for VPS13B-related condition. Last evaluated: 2022-05-10. Review status: no assertion criteria provided. Collection method: clinical testing. Allele origin: germline. Not counted in ClinVar's aggregate classification.
Comment: This variant is classified as likely benign based on ACMG/AMP sequence variant interpretation guidelines (Richards et al. 2015 PMID: 25741868, with internal and published modifications).

NM_152564.5(VPS13B):c.2880A>G (p.Leu960=)

Gene: VPS13B (vacuolar protein sorting 13 homolog B; plus strand). Cytogenetic location: 8q22.2.
Variant type: single nucleotide variant.
Coding change: c.2880A>G on transcript NM_152564.5 (MANE Select); coding-DNA position 2880, A replaced by G.
Protein change: p.Leu960=; no amino-acid change (leucine 960 retained).
Molecular consequence: synonymous variant.
Genome position (GRCh38, 1-based): chr8:99,384,263, A>G. VCF-style: chr8-99384263-A-G. GRCh37 (hg19) VCF-style: chr8-100396491-A-G.
Other names: c.2880A>G, p.Leu960= (NM_017890.5); c.2880A>G (NM_152564.4).
Identifiers: ClinVar variation 515360 (VCV000515360.11), dbSNP rs760792770, ClinGen allele CA462440160.